The following is an entry in ClinVar:

NM_000377.3(WAS):c.1079dup (p.Pro361fs)

Gene: WAS (WASP actin nucleation promoting factor; plus strand). Cytogenetic location: Xp11.23.
Variant type: Duplication.
Coding change: c.1079dup on transcript NM_000377.3 (MANE Select); coding-DNA position 1079, one base duplicated (C; older notation c.1079dupC).
Protein change: p.Pro361fs; shifts the reading frame from proline 361.
Molecular consequence: frameshift variant.
Genome position (GRCh38, 1-based): chrX:48,688,807, C duplicated; the last of 5 consecutive C bases (chrX:48,688,803-48,688,807); duplicating any one gives the same sequence. VCF-style (leftmost placement, unchanged base first): chrX-48688802-A-AC. GRCh37 (hg19) VCF-style: chrX-48547191-A-AC.
Other names: short protein forms P361fs.
Identifiers: ClinVar variation 2585095 (VCV002585095.1), dbSNP rs2519286970, ClinGen allele CA2582342903.

ClinVar aggregate classification (germline): Likely pathogenic (1 of 4 stars; one submission).

Conditions:
Wiskott-Aldrich syndrome (WAS). Also called: ALDRICH SYNDROME; IMMUNODEFICIENCY 2; WISKOTT-ALDRICH SYNDROME 1; Wiskott-aldrich syndrome, somatic. Identifiers: Orphanet 906, MedGen C0043194, MONDO:0010518, OMIM 301000.

Submission:

Neuberg Centre For Genomic Medicine, NCGM
Classification: Likely pathogenic for Wiskott-Aldrich syndrome. Review status: criteria provided, single submitter. Criteria: ACMG Guidelines, 2015. Collection method: clinical testing. Allele origin: germline. Inheritance: X-linked inheritance. Affected: yes.
Comment: The frame shift c.1079dup (p.Pro361ThrfsTer134) variant has not been reported previously as a pathogenic variant nor as a benign variant, to our knowledge. The p.Pro361ThrfsTer134 variant is novel (not in any individuals) in gnomAD Exomes and is novel (not in any individuals) in 1000 Genomes. This variant causes a frameshift starting with codon Proline 361, changes this amino acid to Threonine residue, and creates a premature Stop codon at position 134 of the new reading frame, denoted p.Pro361ThrfsTer134. This variant is predicted to cause loss of normal protein function through protein truncation. Loss of function variants have been previously reported to be disease causing. For these reasons, this variant has been classified as Likely Pathogenic.